The following is an entry in ClinVar:

NM_015102.5(NPHP4):c.2171T>C (p.Met724Thr)

Gene: NPHP4 (nephrocystin 4; minus strand). Cytogenetic location: 1p36.31.
Variant type: single nucleotide variant.
Coding change: c.2171T>C on transcript NM_015102.5 (MANE Select); coding-DNA position 2171, T replaced by C.
Protein change: p.Met724Thr; replaces methionine 724 with threonine.
Molecular consequence: missense variant. On other transcripts: non-coding transcript variant (1).
Genome position (GRCh38, 1-based): chr1:5,891,001, A>G on the plus strand (T>C on the coding strand, the complement: NPHP4 is on the minus strand). VCF-style: chr1-5891001-A-G. GRCh37 (hg19) VCF-style: chr1-5951061-A-G.
Other names: c.632T>C, p.Met211Thr (NM_001291593.2); c.635T>C, p.Met212Thr (NM_001291594.2); short protein forms M211T, M212T, M724T.
Identifiers: ClinVar variation 3358638 (VCV003358638.1).

ClinVar aggregate classification (germline): Uncertain significance (0 of 4 stars; one submission).

Conditions:
NPHP4-related disorder. Also called: NPHP4-related condition; NPHP4-related disorders. Identifiers: MedGen CN239384.

gnomAD v4.1: 5 of 1,565,952 alleles (0.00032%); highest among the groups gnomAD compares: Middle Eastern, 0.017%; no homozygotes.

Submission:

PreventionGenetics, part of Exact Sciences
Classification: Uncertain significance for NPHP4-related condition. Last evaluated: 2024-08-22. Review status: no assertion criteria provided. Collection method: clinical testing. Allele origin: germline.
Comment: The NPHP4 c.2171T>C variant is predicted to result in the amino acid substitution p.Met724Thr. To our knowledge, this variant has not been reported in the literature. This variant is reported in 0.035% of alleles in individuals of East Asian descent in gnomAD. At this time, the clinical significance of this variant is uncertain due to the absence of conclusive functional and genetic evidence.